The following is an entry in ClinVar:

ClinVar aggregate classification (germline): Uncertain significance (1 of 4 stars; one submission).

Conditions:
CGNL1-related disorder. Also called: CGNL1-related condition.

gnomAD v4.1: 1 of 1,613,926 alleles (0.000062%); no homozygotes.

Submission:

PreventionGenetics, part of Exact Sciences
Classification: Uncertain significance for CGNL1-related condition. Last evaluated: 2026-06-11. Review status: criteria provided, single submitter. Criteria: ACMG Guidelines, 2015. Collection method: clinical testing. Allele origin: germline.
Comment: The CGNL1 c.2098A>G variant is predicted to result in the amino acid substitution p.Ile700Val. To our knowledge, this variant has not been reported in the literature or in a large population database (gnomAD), indicating this variant is rare. At this time, the clinical significance of this variant is uncertain due to the absence of conclusive functional and genetic evidence.

NM_032866.5(CGNL1):c.2098A>G (p.Ile700Val)

Gene: CGNL1 (cingulin like 1; plus strand). Cytogenetic location: 15q21.3.
Variant type: single nucleotide variant.
Coding change: c.2098A>G on transcript NM_032866.5 (MANE Select); coding-DNA position 2098, A replaced by G.
Protein change: p.Ile700Val; replaces isoleucine 700 with valine.
Molecular consequence: missense variant.
Genome position (GRCh38, 1-based): chr15:57,453,726, A>G. VCF-style: chr15-57453726-A-G. GRCh37 (hg19) VCF-style: chr15-57745924-A-G.
Other names: c.2098A>G, p.Ile700Val (NM_001252335.2); short protein forms I700V.
Identifiers: ClinVar variation 4982459 (VCV004982459.1).